The following is an entry in ClinVar:

ClinVar aggregate classification (germline): Uncertain significance (1 of 4 stars; one submission).

gnomAD v4.1: 60 of 1,613,938 alleles (0.0037%); highest among the groups gnomAD compares: Middle Eastern, 0.016%; no homozygotes.

Submission:

Labcorp Genetics (formerly Invitae), Labcorp
Classification: Uncertain significance. Last evaluated: 2025-12-24. Review status: criteria provided, single submitter. Criteria: Invitae Variant Classification Sherloc (09022015). Collection method: clinical testing. Allele origin: germline.
Comment: This sequence change replaces arginine, which is basic and polar, with cysteine, which is neutral and slightly polar, at codon 144 of the BMPER protein (p.Arg144Cys). This variant is present in population databases (rs751549257, gnomAD 0.006%). This variant has not been reported in the literature in individuals affected with BMPER-related conditions. Invitae Evidence Modeling of protein sequence and biophysical properties (such as structural, functional, and spatial information, amino acid conservation, physicochemical variation, residue mobility, and thermodynamic stability) indicates that this missense variant is not expected to disrupt BMPER protein function with a negative predictive value of 80%. In summary, the available evidence is currently insufficient to determine the role of this variant in disease. Therefore, it has been classified as a Variant of Uncertain Significance.

NM_001365308.1(BMPER):c.430C>T (p.Arg144Cys)

Gene: BMPER (BMP binding endothelial regulator; plus strand). Cytogenetic location: 7p14.3.
Variant type: single nucleotide variant.
Coding change: c.430C>T on transcript NM_001365308.1 (MANE Select); coding-DNA position 430, C replaced by T.
Protein change: p.Arg144Cys; replaces arginine 144 with cysteine.
Molecular consequence: missense variant.
Genome position (GRCh38, 1-based): chr7:33,970,356, C>T. VCF-style: chr7-33970356-C-T. GRCh37 (hg19) VCF-style: chr7-34009968-C-T.
Other names: c.430C>T, p.Arg144Cys (NM_001410872.1, NM_133468.5); short protein forms R144C.
Identifiers: ClinVar variation 4691928 (VCV004691928.1).
Genomic context (GRCh38, chr7:33,970,356, plus strand): 5'-GGCTGACTTTGCTTGTTTTGTTCTGTGTTTCAGGAGGGCGTTGTCACAGAGTCTGGGGTG[C>T]GCTGTGTTGTTCATTGTAAAAACCCTTTGGAGCATCTGGGAATGTGCTGCCCCACATGTC-3'
Protein context (NP_001352237.1, residues 134-154): QEGVVTESGV[Arg144Cys]CVVHCKNPLE